The following is an entry in ClinVar:

NM_024675.4(PALB2):c.694G>C (p.Gly232Arg)

Gene: PALB2 (partner and localizer of BRCA2; minus strand). Cytogenetic location: 16p12.2.
Variant type: single nucleotide variant.
Coding change: c.694G>C on transcript NM_024675.4 (MANE Select); coding-DNA position 694, G replaced by C.
Protein change: p.Gly232Arg; replaces glycine 232 with arginine.
Molecular consequence: missense variant. On other transcripts: 5 prime UTR variant (8), intron variant (3).
Genome position (GRCh38, 1-based): chr16:23,635,852, C>G on the plus strand (G>C on the coding strand, the complement: PALB2 is on the minus strand). VCF-style: chr16-23635852-C-G. GRCh37 (hg19) VCF-style: chr16-23647173-C-G.
Other names: c.634G>C, p.Gly212Arg (NM_001407296.1); c.694G>C, p.Gly232Arg (NM_001407297.1, NM_001407298.1, NM_001407299.1 and 3 more transcripts); c.-192G>C (NM_001407304.1, NM_001407305.1, NM_001407306.1 and 5 more transcripts); c.48+5258G>C (NM_001407314.1); c.-105+5258G>C (NM_001407313.1, NM_001407312.1); short protein forms G212R, G232R.
Identifiers: ClinVar variation 4722740 (VCV004722740.1).
Genomic context (GRCh38, chr16:23,635,852, plus strand): 5'-TCTGTAAAGGAACTGTAGTCGCCCTGGTGAAATTAGGTCTTCTTAGGAATGTATCAACAC[C>G]TTTTTCTGGTTGGGCAGTTGGTGGAATTAATACACTGTCTTCATTAATTTCTGTAACTGG-3'
Protein context (NP_078951.2, residues 222-242): LIPPTAQPEK[Gly232Arg]VDTFLRRPNF

ClinVar aggregate classification (germline): Uncertain significance (1 of 4 stars; one submission).

Conditions:
Familial cancer of breast. Also called: hereditary breast carcinoma; BREAST CANCER, FAMILIAL; Hereditary breast cancer. Identifiers: Orphanet 227535, MedGen C0346153, MONDO:0016419, OMIM 114480. Disease mechanism: loss of function.

Submission:

Labcorp Genetics (formerly Invitae), Labcorp
Classification: Uncertain significance for Familial cancer of breast. Last evaluated: 2025-07-06. Review status: criteria provided, single submitter. Criteria: Invitae Variant Classification Sherloc (09022015). Collection method: clinical testing. Allele origin: germline.
Comment: This sequence change replaces glycine, which is neutral and non-polar, with arginine, which is basic and polar, at codon 232 of the PALB2 protein (p.Gly232Arg). This variant is not present in population databases (gnomAD no frequency). This variant has not been reported in the literature in individuals affected with PALB2-related conditions. An algorithm developed to predict the effect of missense changes on protein structure and function (PolyPhen-2) suggests that this variant is likely to be disruptive. In summary, the available evidence is currently insufficient to determine the role of this variant in disease. Therefore, it has been classified as a Variant of Uncertain Significance.